The following is an entry in ClinVar:

ClinVar aggregate classification (germline): Uncertain significance (0 of 4 stars; one submission).

Conditions:
FBXO38-related disorder. Also called: FBXO38-related condition.

Allele frequency attached by ClinVar (database versions not stated): gnomAD 0.00001; TOPMed 0.00001; gnomAD exomes 0.00002.
gnomAD v4.1: 23 of 1,613,702 alleles (0.0014%); highest among the groups gnomAD compares: South Asian, 0.0022%; no homozygotes.

Submission:

PreventionGenetics, part of Exact Sciences
Classification: Uncertain significance for FBXO38-related condition. Last evaluated: 2023-11-29. Review status: no assertion criteria provided. Collection method: clinical testing. Allele origin: germline.
Comment: The FBXO38 c.2471G>A variant is predicted to result in the amino acid substitution p.Arg824Gln. To our knowledge, this variant has not been reported in the literature or in a large population database, indicating this variant is rare. At this time, the clinical significance of this variant is uncertain due to the absence of conclusive functional and genetic evidence.

NM_205836.3(FBXO38):c.2696G>A (p.Arg899Gln)

Gene: FBXO38 (F-box protein 38; plus strand). Cytogenetic location: 5q32.
Variant type: single nucleotide variant.
Coding change: c.2696G>A on transcript NM_205836.3 (MANE Select); coding-DNA position 2696, G replaced by A.
Protein change: p.Arg899Gln; replaces arginine 899 with glutamine.
Molecular consequence: missense variant.
Genome position (GRCh38, 1-based): chr5:148,433,466, G>A. VCF-style: chr5-148433466-G-A. GRCh37 (hg19) VCF-style: chr5-147813029-G-A.
Other names: c.1961G>A, p.Arg654Gln (NM_001271723.2); c.2471G>A, p.Arg824Gln (NM_030793.5); short protein forms R654Q, R824Q, R899Q.
Identifiers: ClinVar variation 3035718 (VCV003035718.2), dbSNP rs777442483, ClinGen allele CA128952915.